The following is an entry in ClinVar:

ClinVar aggregate classification (germline): Uncertain significance. Review status: criteria provided, multiple submitters, no conflicts (2 of 4 stars). 2 submissions from 2 submitters: Uncertain significance (2). Last evaluated 2026-01-30.

Conditions:
ISL1-related disorder. Also called: ISL1-related condition.

Allele frequency attached by ClinVar (database versions not stated): TOPMed 0.00001; gnomAD 0.00002; gnomAD exomes 0.00003; ExAC 0.00004.

Submissions (2):

PreventionGenetics, part of Exact Sciences
Classification: Uncertain significance for ISL1-related condition. Last evaluated: 2026-01-30. Review status: criteria provided, single submitter. Criteria: ACMG Guidelines, 2015. Collection method: clinical testing. Allele origin: germline.
Comment: The ISL1 c.428C>G variant is predicted to result in the amino acid substitution p.Ala143Gly. To our knowledge, this variant has not been reported in the literature. This variant is reported in 0.0036% of alleles in individuals of European (Non-Finnish) descent in gnomAD. At this time, the clinical significance of this variant is uncertain due to the absence of conclusive functional and genetic evidence.

Ambry Genetics
Classification: Uncertain significance. Last evaluated: 2025-08-06. Review status: criteria provided, single submitter. Criteria: Ambry Variant Classification Scheme 2023. Collection method: clinical testing. Allele origin: germline.

NM_002202.3(ISL1):c.428C>G (p.Ala143Gly)

Gene: ISL1 (ISL LIM homeobox 1; plus strand). Cytogenetic location: 5q11.1.
Variant type: single nucleotide variant.
Coding change: c.428C>G on transcript NM_002202.3 (MANE Select); coding-DNA position 428, C replaced by G.
Protein change: p.Ala143Gly; replaces alanine 143 with glycine.
Molecular consequence: missense variant.
Genome position (GRCh38, 1-based): chr5:51,387,699, C>G. VCF-style: chr5-51387699-C-G. GRCh37 (hg19) VCF-style: chr5-50683533-C-G.
Other names: short protein forms A143G.
Identifiers: ClinVar variation 2634970 (VCV002634970.3), dbSNP rs747357265, ClinGen allele CA3260973.